The following is an entry in ClinVar:

ClinVar aggregate classification (germline): Benign/Likely benign. Review status: criteria provided, multiple submitters, no conflicts (2 of 4 stars). 3 submissions from 3 submitters: Benign (1); Likely benign (2). Last evaluated 2025-10-16.

Conditions:
Hereditary cancer-predisposing syndrome. Also called: Neoplastic Syndromes, Hereditary; Hereditary Cancer Syndrome; Hereditary neoplastic syndrome; Tumor predisposition. Identifiers: Orphanet 140162, MedGen C0027672, MeSH D009386, MONDO:0015356.
Oligodontia-cancer predisposition syndrome. Also called: TOOTH AGENESIS-COLORECTAL CANCER SYNDROME. Identifiers: Orphanet 300576, MedGen C1837750, MONDO:0012075, OMIM 608615. Disease mechanism: loss of function.

Submissions (3):

Ambry Genetics
Classification: Likely benign for Hereditary cancer-predisposing syndrome. Last evaluated: 2025-10-16. Review status: criteria provided, single submitter. Criteria: Ambry Variant Classification Scheme 2023. Collection method: clinical testing. Allele origin: germline.

Myriad Genetics, Inc.
Classification: Benign for Oligodontia-cancer predisposition syndrome. Last evaluated: 2024-06-27. Review status: criteria provided, single submitter. Criteria: Myriad Autosomal Dominant, Autosomal Recessive and X-Linked Classification Criteria (2023). Collection method: clinical testing. Allele origin: unknown.
Comment: This variant is considered benign. This variant is a silent/synonymous amino acid change and it is not expected to impact splicing.

Labcorp Genetics (formerly Invitae), Labcorp
Classification: Likely benign for Oligodontia-cancer predisposition syndrome. Last evaluated: 2024-03-04. Review status: criteria provided, single submitter. Criteria: Invitae Variant Classification Sherloc (09022015). Collection method: clinical testing. Allele origin: germline.

NM_004655.4(AXIN2):c.579T>C (p.Ser193=)

Gene: AXIN2 (axin 2; minus strand). Cytogenetic location: 17q24.1.
Variant type: single nucleotide variant.
Coding change: c.579T>C on transcript NM_004655.4 (MANE Select); coding-DNA position 579, T replaced by C.
Protein change: p.Ser193=; no amino-acid change (serine 193 retained).
Molecular consequence: synonymous variant.
Genome position (GRCh38, 1-based): chr17:65,558,042, A>G on the plus strand (T>C on the coding strand, the complement: AXIN2 is on the minus strand). VCF-style: chr17-65558042-A-G. GRCh37 (hg19) VCF-style: chr17-63554160-A-G.
Other names: c.579T>C (NM_004655.3); c.579T>C, p.Ser193= (NM_001363813.1).
Identifiers: ClinVar variation 1121048 (VCV001121048.11), dbSNP rs2144584423, ClinGen allele CA501691705.